The following is an entry in ClinVar:

NM_004787.4(SLIT2):c.2172T>G (p.Leu724=)

Gene: SLIT2 (slit guidance ligand 2; plus strand). Cytogenetic location: 4p15.31.
Variant type: single nucleotide variant.
Coding change: c.2172T>G on transcript NM_004787.4 (MANE Select); coding-DNA position 2172, T replaced by G.
Protein change: p.Leu724=; no amino-acid change (leucine 724 retained).
Molecular consequence: synonymous variant.
Genome position (GRCh38, 1-based): chr4:20,542,522, T>G. VCF-style: chr4-20542522-T-G. GRCh37 (hg19) VCF-style: chr4-20544145-T-G.
Other names: c.2160T>G, p.Leu720= (NM_001289135.3); c.2148T>G, p.Leu716= (NM_001289136.3).
Identifiers: ClinVar variation 3053940 (VCV003053940.2), dbSNP rs1399663613, ClinGen allele CA438708745.

ClinVar aggregate classification (germline): Likely benign (0 of 4 stars; one submission).

Conditions:
SLIT2-related disorder. Also called: SLIT2-related condition.

Allele frequency attached by ClinVar (database versions not stated): TOPMed below 0.00001; gnomAD 0.00001; gnomAD exomes 0.00001.
gnomAD v4.1: 21 of 1,613,632 alleles (0.0013%); highest among the groups gnomAD compares: Non-Finnish European, 0.0018%; no homozygotes.

Submission:

PreventionGenetics, part of Exact Sciences
Classification: Likely benign for SLIT2-related condition. Last evaluated: 2023-02-16. Review status: no assertion criteria provided. Collection method: clinical testing. Allele origin: germline.
Comment: This variant is classified as likely benign based on ACMG/AMP sequence variant interpretation guidelines (Richards et al. 2015 PMID: 25741868, with internal and published modifications).